The following is an entry in ClinVar:

NM_000552.5(VWF):c.5664+15G>A

Gene: VWF (von Willebrand factor; minus strand). Cytogenetic location: 12p13.31.
Variant type: single nucleotide variant.
Coding change: c.5664+15G>A on transcript NM_000552.5 (MANE Select); 15 bases into the intron after coding-DNA position 5664, G replaced by A.
Molecular consequence: intron variant.
Genome position (GRCh38, 1-based): chr12:6,012,072, C>T on the plus strand (G>A on the coding strand, the complement: VWF is on the minus strand). VCF-style: chr12-6012072-C-T. GRCh37 (hg19) VCF-style: chr12-6121238-C-T.
Identifiers: ClinVar variation 310057 (VCV000310057.6), dbSNP rs7961539, ClinGen allele CA6402197.

ClinVar aggregate classification (germline): Benign/Likely benign. Review status: criteria provided, multiple submitters, no conflicts (2 of 4 stars). 2 submissions from 2 submitters: Benign (1); Likely benign (1). Last evaluated 2024-11-01.

Conditions:
Hereditary von Willebrand disease. Identifiers: Orphanet 903, MedGen C5703318, MONDO:0019565. Inheritance: Autosomal recessive or Autosomal dominant.

Allele frequency attached by ClinVar (database versions not stated): gnomAD exomes 0.00140; ExAC 0.00165; gnomAD 0.00521 and 0.00560; ESP Exome Variant Server 0.00538; 1000 Genomes Project 0.00579; TOPMed 0.00587; 1000 Genomes Project 30x 0.00609.
gnomAD v4.1: 1,790 of 1,613,764 alleles (0.11%); highest among the groups gnomAD compares: African/African-American, 1.7%; 11 homozygotes.

Submissions (2):

ARUP Laboratories, Molecular Genetics and Genomics, ARUP Laboratories
Classification: Benign. Last evaluated: 2024-11-01. Review status: criteria provided, single submitter. Criteria: ARUP Molecular Germline Variant Investigation Process 2024. Collection method: clinical testing. Allele origin: germline.

Illumina Laboratory Services, Illumina
Classification: Likely benign for von Willebrand disorder. Last evaluated: 2018-01-12. Review status: criteria provided, single submitter. Criteria: ICSL Variant Classification Criteria 13 December 2019. Collection method: clinical testing. Allele origin: germline.
Comment: This variant was observed in the ICSL laboratory as part of a predisposition screen in an ostensibly healthy population. It had not been previously curated by ICSL or reported in the Human Gene Mutation Database (HGMD: prior to June 1st, 2018), and was therefore a candidate for classification through an automated scoring system. Utilizing variant allele frequency, disease prevalence and penetrance estimates, and inheritance mode, an automated score was calculated to assess if this variant is too frequent to cause the disease. Based on the score and internal cut-off values, a variant classified as likely benign is not then subjected to further curation. The score for this variant resulted in a classification of likely benign for this disease.